The following is an entry in ClinVar:

NM_023067.4(FOXL2):c.827dup (p.Leu277fs)

Gene: FOXL2 (forkhead box L2; minus strand). Cytogenetic location: 3q22.3.
Variant type: Duplication.
Coding change: c.827dup on transcript NM_023067.4 (MANE Select); coding-DNA position 827, one base duplicated (G; older notation c.827dupG).
Protein change: p.Leu277fs; shifts the reading frame from leucine 277.
Molecular consequence: frameshift variant.
Genome position (GRCh38, 1-based): chr3:138,945,896, C duplicated on the plus strand (G on the coding strand, the reverse complement: FOXL2 is on the minus strand); the first of 2 consecutive C bases (chr3:138,945,896-138,945,897); duplicating either gives the same sequence. VCF-style (leftmost placement, unchanged base first): chr3-138945895-G-GC. GRCh37 (hg19) VCF-style: chr3-138664737-G-GC.
Other names: short protein forms L277fs.
Identifiers: ClinVar variation 369931 (VCV000369931.1), dbSNP rs1057516178, ClinGen allele CA10654863.
Genomic context (GRCh38, chr3:138,945,895, plus strand): 5'-TGCGTGCGGATGCGGGTGGGGGTGCGGCGGAGGCGGGGGTGCGGCCGGCGGGCCTCCCAG[G>GC]CCATTGTACGAGTTCACTACGCCGGGGGGCAGCGCCATGCTCTGCACGCGTGTGTACGGC-3'

ClinVar aggregate classification (germline): Pathogenic (1 of 4 stars; one submission).

Conditions:
Blepharophimosis, ptosis, and epicanthus inversus syndrome. Identifiers: Orphanet 126, MedGen C0220663, MONDO:0007201, OMIM 110100.

Submission:

Genomic Diagnostic Laboratory, Division of Genomic Diagnostics, Children's Hospital of Philadelphia
Classification: Pathogenic for Blepharophimosis, ptosis, and epicanthus inversus syndrome. Last evaluated: 2016-11-03. Review status: criteria provided, single submitter. Criteria: DGD Variant Analysis Guidelines. Collection method: clinical testing. Allele origin: germline. Affected: yes. Observed: 1 variant allele.
Comment: Clinical Testing